The following is an entry in ClinVar:

ClinVar aggregate classification (germline): Uncertain significance (1 of 4 stars; one submission).

Conditions:
Severe early-onset pulmonary alveolar proteinosis due to MARS deficiency. Also called: Interstitial lung and liver disease; PULMONARY ALVEOLAR PROTEINOSIS, REUNION ISLAND. Identifiers: Orphanet 440427, MedGen C4225400, MONDO:0014206, OMIM 615486.
Charcot-Marie-Tooth disease axonal type 2U. Also called: CHARCOT-MARIE-TOOTH NEUROPATHY, TYPE 2U; CHARCOT-MARIE-TOOTH DISEASE, AXONAL, AUTOSOMAL DOMINANT, TYPE 2U. Identifiers: Orphanet 397735, MedGen C4084821, MONDO:0014566, OMIM 616280.

gnomAD v4.1: 3 of 1,613,654 alleles (0.00019%); highest among the groups gnomAD compares: East Asian, 0.0067%; no homozygotes.

Submission:

Labcorp Genetics (formerly Invitae), Labcorp
Classification: Uncertain significance for Charcot-Marie-Tooth disease axonal type 2U; Severe early-onset pulmonary alveolar proteinosis due to MARS deficiency. Last evaluated: 2024-10-13. Review status: criteria provided, single submitter. Criteria: Invitae Variant Classification Sherloc (09022015). Collection method: clinical testing. Allele origin: germline.
Comment: This sequence change replaces serine, which is neutral and polar, with cysteine, which is neutral and slightly polar, at codon 298 of the MARS1 protein (p.Ser298Cys). This variant is present in population databases (rs752413961, gnomAD 0.01%). This variant has not been reported in the literature in individuals affected with MARS1-related conditions. An algorithm developed to predict the effect of missense changes on protein structure and function outputs the following: PolyPhen-2: "Benign". The cysteine amino acid residue is found in multiple mammalian species, which suggests that this missense change does not adversely affect protein function. In summary, the available evidence is currently insufficient to determine the role of this variant in disease. Therefore, it has been classified as a Variant of Uncertain Significance.

NM_004990.4(MARS1):c.893C>G (p.Ser298Cys)

Gene: MARS1 (methionyl-tRNA synthetase 1; plus strand). Cytogenetic location: 12q13.3.
Variant type: single nucleotide variant.
Coding change: c.893C>G on transcript NM_004990.4 (MANE Select); coding-DNA position 893, C replaced by G.
Protein change: p.Ser298Cys; replaces serine 298 with cysteine.
Molecular consequence: missense variant.
Genome position (GRCh38, 1-based): chr12:57,498,425, C>G. VCF-style: chr12-57498425-C-G. GRCh37 (hg19) VCF-style: chr12-57892208-C-G.
Other names: short protein forms S298C.
Identifiers: ClinVar variation 3752553 (VCV003752553.2).